The following is an entry in ClinVar:

ClinVar aggregate classification (germline): Uncertain significance (1 of 4 stars; one submission).

gnomAD v4.1: 1 of 1,612,982 alleles (0.000062%); highest among the groups gnomAD compares: Non-Finnish European, 0.000085%; no homozygotes.

Submission:

Labcorp Genetics (formerly Invitae), Labcorp
Classification: Uncertain significance. Last evaluated: 2022-06-13. Review status: criteria provided, single submitter. Criteria: Invitae Variant Classification Sherloc (09022015). Collection method: clinical testing. Allele origin: germline.
Comment: In summary, the available evidence is currently insufficient to determine the role of this variant in disease. Therefore, it has been classified as a Variant of Uncertain Significance. Algorithms developed to predict the effect of missense changes on protein structure and function are either unavailable or do not agree on the potential impact of this missense change (SIFT: "Deleterious"; PolyPhen-2: "Probably Damaging"; Align-GVGD: "Class C0"). This variant has not been reported in the literature in individuals affected with PEX11B-related conditions. This variant is not present in population databases (gnomAD no frequency). This sequence change replaces threonine, which is neutral and polar, with asparagine, which is neutral and polar, at codon 249 of the PEX11B protein (p.Thr249Asn).

NM_003846.3(PEX11B):c.746C>A (p.Thr249Asn)

Gene: PEX11B (peroxisomal biogenesis factor 11 beta; minus strand). Cytogenetic location: 1q21.1.
Variant type: single nucleotide variant.
Coding change: c.746C>A on transcript NM_003846.3 (MANE Select); coding-DNA position 746, C replaced by A.
Protein change: p.Thr249Asn; replaces threonine 249 with asparagine.
Molecular consequence: missense variant. On other transcripts: non-coding transcript variant (3).
Genome position (GRCh38, 1-based): chr1:145,912,195, G>T on the plus strand (C>A on the coding strand, the complement: PEX11B is on the minus strand). VCF-style: chr1-145912195-G-T. GRCh37 (hg19) VCF-style: chr1-145522885-C-A.
Other names: c.704C>A, p.Thr235Asn (NM_001184795.1); short protein forms T249N, T235N.
Identifiers: ClinVar variation 1387218 (VCV001387218.6), dbSNP rs1553753183, ClinGen allele CA342120281.